The following is an entry in ClinVar:

NM_030632.3(ASXL3):c.4629G>A (p.Ser1543=)

Gene: ASXL3 (ASXL transcriptional regulator 3; plus strand). Cytogenetic location: 18q12.1.
Variant type: single nucleotide variant.
Coding change: c.4629G>A on transcript NM_030632.3 (MANE Select); coding-DNA position 4629, G replaced by A.
Protein change: p.Ser1543=; no amino-acid change (serine 1543 retained).
Molecular consequence: synonymous variant.
Genome position (GRCh38, 1-based): chr18:33,744,477, G>A. VCF-style: chr18-33744477-G-A. GRCh37 (hg19) VCF-style: chr18-31324441-G-A.
Identifiers: ClinVar variation 1337655 (VCV001337655.7), dbSNP rs746363752, ClinGen allele CA8934298.

ClinVar aggregate classification (germline): Likely benign. Review status: criteria provided, multiple submitters, no conflicts (2 of 4 stars). 4 submissions from 4 submitters: Likely benign (4). Last evaluated 2026-03-06.

Conditions:
ASXL3-related disorder. Also called: ASXL3-related condition. Identifiers: MedGen CN381524.

Allele frequency attached by ClinVar (database versions not stated): gnomAD exomes 0.00003 and 0.00004; TOPMed 0.00003; gnomAD 0.00004; ExAC 0.00005.
gnomAD v4.1: 50 of 1,612,822 alleles (0.0031%); highest among the groups gnomAD compares: Middle Eastern, 0.033%; no homozygotes.

Submissions (4):

PreventionGenetics, part of Exact Sciences
Classification: Likely benign for ASXL3-related condition. Last evaluated: 2026-03-06. Review status: criteria provided, single submitter. Criteria: ACMG Guidelines, 2015. Collection method: clinical testing. Allele origin: germline.
Comment: This variant is classified as likely benign based on ACMG/AMP sequence variant interpretation guidelines (Richards et al. 2015 PMID: 25741868, with internal and published modifications).

Blueprint Genetics
Classification: Likely benign. Last evaluated: 2024-02-14. Review status: criteria provided, single submitter. Criteria: ACMG Guidelines, 2015. Collection method: clinical testing. Allele origin: germline.

Genetic Services Laboratory, University of Chicago
Classification: Likely benign. Last evaluated: 2020-05-29. Review status: criteria provided, single submitter. Criteria: ACMG Guidelines, 2015. Collection method: clinical testing. Allele origin: germline. Affected: no.

Breakthrough Genomics
Classification: Likely benign. Review status: criteria provided, single submitter. Criteria: ACMG Guidelines, 2015. Collection method: not provided. Allele origin: germline. Inheritance: Autosomal dominant inheritance. Affected: yes.